The following is an entry in ClinVar:

ClinVar aggregate classification (germline): Conflicting classifications of pathogenicity. Review status: criteria provided, conflicting classifications (1 of 4 stars). 6 submissions from 6 submitters: Uncertain significance (1); Likely benign (2). 3 of the submissions do not count toward it. Last evaluated 2021-09-15.

Conditions:
RIPPLY1-related disorder. Also called: RIPPLY1-related condition.

Allele frequency attached by ClinVar (database versions not stated): ExAC 0.00072; gnomAD 0.00091 and 0.00094; 1000 Genomes Project 0.00053; TOPMed 0.00068; gnomAD exomes 0.00081; 1000 Genomes Project 30x 0.00042; ESP Exome Variant Server 0.00091.
gnomAD v4.1: 1,459 of 1,209,909 alleles (0.12%); highest among the groups gnomAD compares: Non-Finnish European, 0.16%; 2 homozygotes.

Submissions (6):

Ambry Genetics
Classification: Uncertain significance. Last evaluated: 2021-09-15. Review status: criteria provided, single submitter. Criteria: Ambry Variant Classification Scheme 2023. Collection method: clinical testing. Allele origin: germline.

Labcorp Genetics (formerly Invitae), Labcorp
Classification: Likely benign. Last evaluated: 2019-12-31. Review status: criteria provided, single submitter. Criteria: Invitae Variant Classification Sherloc (09022015). Collection method: clinical testing. Allele origin: germline.

Breakthrough Genomics
Classification: Likely benign. Review status: criteria provided, single submitter. Criteria: ACMG Guidelines, 2015. Collection method: not provided. Allele origin: germline. Inheritance: Unknown mechanism. Affected: yes.

PreventionGenetics, part of Exact Sciences
Classification: Likely benign for RIPPLY1-related condition. Last evaluated: 2022-10-27. Review status: no assertion criteria provided. Collection method: clinical testing. Allele origin: germline. Not counted in ClinVar's aggregate classification.
Comment: This variant is classified as likely benign based on ACMG/AMP sequence variant interpretation guidelines (Richards et al. 2015 PMID: 25741868, with internal and published modifications).

Genome Diagnostics Laboratory, University Medical Center Utrecht
Classification: Likely benign. Review status: no assertion criteria provided. Collection method: clinical testing. Allele origin: germline. Affected: yes. Study: VKGL Data-share Consensus. Not counted in ClinVar's aggregate classification.

Laboratory of Diagnostic Genome Analysis, Leiden University Medical Center (LUMC)
Classification: Likely benign. Review status: no assertion criteria provided. Collection method: clinical testing. Allele origin: germline. Affected: yes. Study: VKGL Data-share Consensus. Not counted in ClinVar's aggregate classification.

NM_138382.3(RIPPLY1):c.362A>G (p.Asn121Ser)

Genes: CLDN2 (claudin 2; plus strand), RIPPLY1 (ripply transcriptional repressor 1; minus strand). Cytogenetic location: Xq22.3.
Variant type: single nucleotide variant.
Coding change: c.362A>G on transcript NM_138382.3 (MANE Select); coding-DNA position 362, A replaced by G.
Protein change: p.Asn121Ser; replaces asparagine 121 with serine.
Molecular consequence: missense variant. On other transcripts: intron variant (1).
Genome position (GRCh38, 1-based): chrX:106,900,843, T>C on the plus strand (A>G on the coding strand, the complement: RIPPLY1 is on the minus strand). VCF-style: chrX-106900843-T-C. GRCh37 (hg19) VCF-style: chrX-106144073-T-C.
Other names: c.221A>G, p.Asn74Ser (NM_001171706.2); c.-179+339T>C (NM_001171092.1); short protein forms N74S, N121S.
Identifiers: ClinVar variation 725965 (VCV000725965.12), dbSNP rs41306259, ClinGen allele CA10483558.